The following is an entry in ClinVar:

NM_012431.3(SEMA3E):c.1034A>G (p.His345Arg)

Gene: SEMA3E (semaphorin 3E; minus strand). Cytogenetic location: 7q21.11.
Variant type: single nucleotide variant.
Coding change: c.1034A>G on transcript NM_012431.3 (MANE Select); coding-DNA position 1034, A replaced by G.
Protein change: p.His345Arg; replaces histidine 345 with arginine.
Molecular consequence: missense variant.
Genome position (GRCh38, 1-based): chr7:83,402,741, T>C on the plus strand (A>G on the coding strand, the complement: SEMA3E is on the minus strand). VCF-style: chr7-83402741-T-C. GRCh37 (hg19) VCF-style: chr7-83032057-T-C.
Other names: c.854A>G, p.His285Arg (NM_001178129.2); short protein forms H285R, H345R.
Identifiers: ClinVar variation 2696682 (VCV002696682.3), dbSNP rs774990422, ClinGen allele CA4322121.

ClinVar aggregate classification (germline): Uncertain significance (1 of 4 stars; one submission).

Conditions:
CHARGE syndrome (CHARGE). Also called: Hittner Hirsch Kreh syndrome; CHARGE ASSOCIATION--COLOBOMA, HEART ANOMALY, CHOANAL ATRESIA, RETARDATION, GENITAL AND EAR ANOMALIES; Coloboma, heart anomaly, choanal atresia, retardation, genital and ear anomalies; CHARGE association; Hall-Hittner syndrome. Identifiers: Orphanet 138, MedGen C0265354, MONDO:0008965.

Allele frequency attached by ClinVar (database versions not stated): ExAC 0.00001; gnomAD 0.00001; TOPMed 0.00001; gnomAD exomes 0.00002.
gnomAD v4.1: 30 of 1,612,738 alleles (0.0019%); highest among the groups gnomAD compares: Non-Finnish European, 0.0023%; no homozygotes.

Submission:

Labcorp Genetics (formerly Invitae), Labcorp
Classification: Uncertain significance for CHARGE syndrome. Last evaluated: 2023-12-03. Review status: criteria provided, single submitter. Criteria: Invitae Variant Classification Sherloc (09022015). Collection method: clinical testing. Allele origin: germline.
Comment: This sequence change replaces histidine, which is basic and polar, with arginine, which is basic and polar, at codon 345 of the SEMA3E protein (p.His345Arg). This variant is present in population databases (rs774990422, gnomAD 0.004%). This variant has not been reported in the literature in individuals affected with SEMA3E-related conditions. Advanced modeling of protein sequence and biophysical properties (such as structural, functional, and spatial information, amino acid conservation, physicochemical variation, residue mobility, and thermodynamic stability) performed at Invitae indicates that this missense variant is not expected to disrupt SEMA3E protein function with a negative predictive value of 80%. In summary, the available evidence is currently insufficient to determine the role of this variant in disease. Therefore, it has been classified as a Variant of Uncertain Significance.